The following is an entry in ClinVar:

ClinVar aggregate classification (germline): Uncertain significance (1 of 4 stars; one submission).

Conditions:
Hereditary cancer-predisposing syndrome. Also called: Neoplastic Syndromes, Hereditary; Hereditary Cancer Syndrome; Tumor predisposition; Hereditary neoplastic syndrome. Identifiers: Orphanet 140162, MedGen C0027672, MeSH D009386, MONDO:0015356.

gnomAD v4.1: 2 of 1,613,974 alleles (0.00012%); highest among the groups gnomAD compares: Non-Finnish European, 0.00017%; no homozygotes.

Submission:

Ambry Genetics
Classification: Uncertain significance for Hereditary cancer-predisposing syndrome. Last evaluated: 2025-02-08. Review status: criteria provided, single submitter. Criteria: Ambry Variant Classification Scheme 2023. Collection method: clinical testing. Allele origin: germline.
Comment: The p.A1786D variant (also known as c.5357C>A), located in coding exon 39 of the POLE gene, results from a C to A substitution at nucleotide position 5357. The alanine at codon 1786 is replaced by aspartic acid, an amino acid with dissimilar properties. This amino acid position is conserved. In addition, this alteration is predicted to be deleterious by in silico analysis. Based on the available evidence, the clinical significance of this variant remains unclear.

NM_006231.4(POLE):c.5357C>A (p.Ala1786Asp)

Gene: POLE (DNA polymerase epsilon, catalytic subunit; minus strand). Cytogenetic location: 12q24.33.
Variant type: single nucleotide variant.
Coding change: c.5357C>A on transcript NM_006231.4 (MANE Select); coding-DNA position 5357, C replaced by A.
Protein change: p.Ala1786Asp; replaces alanine 1786 with aspartic acid.
Molecular consequence: missense variant.
Genome position (GRCh38, 1-based): chr12:132,641,668, G>T on the plus strand (C>A on the coding strand, the complement: POLE is on the minus strand). VCF-style: chr12-132641668-G-T. GRCh37 (hg19) VCF-style: chr12-133218254-G-T.
Other names: short protein forms A1786D.
Identifiers: ClinVar variation 3781582 (VCV003781582.1).
Genomic context (GRCh38, chr12:132,641,668, plus strand): 5'-CCTTCTATTAGTAACACTCCTTCCCAGAGAGGGTGGCACCTGAAGGTGTTAGAGCACAGG[G>T]CTGTCTCATCGTAGCTGGCCGGGGCACTGGCAGCCTGACCACCCGTGATCATGTCCTCCA-3'
Protein context (NP_006222.2, residues 1776-1796): ASAPASYDET[Ala1786Asp]LCSNTFRILK